The following is an entry in ClinVar:

ClinVar aggregate classification (germline): Uncertain significance (1 of 4 stars; one submission).

Conditions:
Global developmental delay with speech and behavioral abnormalities. Identifiers: MedGen C5543226, MONDO:0030995, OMIM 619243.

Submission:

3billion
Classification: Uncertain significance for Global developmental delay with speech and behavioral abnormalities. Last evaluated: 2025-11-19. Review status: criteria provided, single submitter. Criteria: ACMG Guidelines, 2015. Collection method: clinical testing. Allele origin: germline. Affected: yes.
Comment: The variant is not observed in the gnomAD v4.1.0 dataset. Predicted Consequence/Location: Intron variant In silico tools predict the variant to alter splicing and produce an abnormal transcript [SpliceAI: 0.45 (>=0.2, moderate evidence for spliceogenicity)]. Therefore, this variant is classified as VUS according to the recommendation of ACMG/AMP guideline.

NM_001162501.2(TNRC6B):c.4903+64T>A

Gene: TNRC6B (trinucleotide repeat containing adaptor 6B; plus strand). Cytogenetic location: 22q13.1.
Variant type: single nucleotide variant.
Coding change: c.4903+64T>A on transcript NM_001162501.2 (MANE Select); 64 bases into the intron after coding-DNA position 4903, T replaced by A.
Molecular consequence: intron variant.
Genome position (GRCh38, 1-based): chr22:40,315,571, T>A. VCF-style: chr22-40315571-T-A. GRCh37 (hg19) VCF-style: chr22-40711575-T-A.
Other names: c.2491+64T>A (NM_001024843.2); c.4573+64T>A (NM_015088.3).
Identifiers: ClinVar variation 4854001 (VCV004854001.1).